The following is an entry in ClinVar:

NM_000817.3(GAD1):c.63C>T (p.Thr21=)

Gene: GAD1 (glutamate decarboxylase 1; plus strand). Cytogenetic location: 2q31.1.
Variant type: single nucleotide variant.
Coding change: c.63C>T on transcript NM_000817.3 (MANE Select); coding-DNA position 63, C replaced by T.
Protein change: p.Thr21=; no amino-acid change (threonine 21 retained).
Molecular consequence: synonymous variant.
Genome position (GRCh38, 1-based): chr2:170,818,654, C>T. VCF-style: chr2-170818654-C-T. GRCh37 (hg19) VCF-style: chr2-171675164-C-T.
Other names: c.63C>T, p.Thr21= (NM_013445.4).
Identifiers: ClinVar variation 3352681 (VCV003352681.1).

ClinVar aggregate classification (germline): Likely benign (0 of 4 stars; one submission).

Conditions:
GAD1-related disorder. Also called: GAD1-related condition.

gnomAD v4.1: 49 of 1,614,092 alleles (0.003%); highest among the groups gnomAD compares: South Asian, 0.051%; no homozygotes.

Submission:

PreventionGenetics, part of Exact Sciences
Classification: Likely benign for GAD1-related condition. Last evaluated: 2019-05-10. Review status: no assertion criteria provided. Collection method: clinical testing. Allele origin: germline.
Comment: This variant is classified as likely benign based on ACMG/AMP sequence variant interpretation guidelines (Richards et al. 2015 PMID: 25741868, with internal and published modifications).